The following is an entry in ClinVar:

NM_001292063.2(OTOG):c.2583G>A (p.Met861Ile)

Gene: OTOG (otogelin; plus strand). Cytogenetic location: 11p15.1.
Variant type: single nucleotide variant.
Coding change: c.2583G>A on transcript NM_001292063.2 (MANE Select); coding-DNA position 2583, G replaced by A.
Protein change: p.Met861Ile; replaces methionine 861 with isoleucine.
Molecular consequence: missense variant.
Genome position (GRCh38, 1-based): chr11:17,576,889, G>A. VCF-style: chr11-17576889-G-A. GRCh37 (hg19) VCF-style: chr11-17598436-G-A.
Other names: c.2619G>A, p.Met873Ile (NM_001277269.2); short protein forms M873I, M861I.
Identifiers: ClinVar variation 4977751 (VCV004977751.1).

ClinVar aggregate classification (germline): Uncertain significance (1 of 4 stars; one submission).

Conditions:
OTOG-related disorder. Also called: OTOG-related condition.

gnomAD v4.1: 110 of 1,550,374 alleles (0.0071%); highest among the groups gnomAD compares: Non-Finnish European, 0.0084%; no homozygotes.

Submission:

PreventionGenetics, part of Exact Sciences
Classification: Uncertain significance for OTOG-related condition. Last evaluated: 2026-07-27. Review status: criteria provided, single submitter. Criteria: ACMG Guidelines, 2015. Collection method: clinical testing. Allele origin: germline.
Comment: The OTOG c.2619G>A variant is predicted to result in the amino acid substitution p.Met873Ile. To our knowledge, this variant has not been reported in the literature. This variant is reported in 0.0085% of alleles in individuals of European (Non-Finnish) descent in gnomAD. At this time, the clinical significance of this variant is uncertain due to the absence of conclusive functional and genetic evidence.